The following is an entry in ClinVar:

NM_015335.5(MED13L):c.4956-3C>T

Gene: MED13L (mediator complex subunit 13L; minus strand). Cytogenetic location: 12q24.21.
Variant type: single nucleotide variant.
Coding change: c.4956-3C>T on transcript NM_015335.5 (MANE Select); 3 bases into the intron before coding-DNA position 4956, C replaced by T.
Molecular consequence: intron variant.
Genome position (GRCh38, 1-based): chr12:115,982,606, G>A on the plus strand (C>T on the coding strand, the complement: MED13L is on the minus strand). VCF-style: chr12-115982606-G-A. GRCh37 (hg19) VCF-style: chr12-116420411-G-A.
Identifiers: ClinVar variation 2148309 (VCV002148309.4), dbSNP rs2499823373, ClinGen allele CA2580085855.

ClinVar aggregate classification (germline): Uncertain significance (1 of 4 stars; one submission).

Conditions:
Dextro-looped transposition of the great arteries. Also called: Dextrotransposition of the great arteries. Identifiers: Orphanet 860, MedGen C3531771, MONDO:0019443, OMIM 608808, HP:0031348.

Allele frequency attached by ClinVar (database versions not stated): gnomAD exomes below 0.00001.
gnomAD v4.1: 2 of 1,608,374 alleles (0.00012%); highest among the groups gnomAD compares: Non-Finnish European, 0.00017%; no homozygotes.

Submission:

Labcorp Genetics (formerly Invitae), Labcorp
Classification: Uncertain significance for Dextro-looped transposition of the great arteries. Last evaluated: 2022-05-17. Review status: criteria provided, single submitter. Criteria: Invitae Variant Classification Sherloc (09022015). Collection method: clinical testing. Allele origin: germline.
Comment: This sequence change falls in intron 21 of the MED13L gene. It does not directly change the encoded amino acid sequence of the MED13L protein. It affects a nucleotide within the consensus splice site. This variant is not present in population databases (gnomAD no frequency). This variant has not been reported in the literature in individuals affected with MED13L-related conditions. Variants that disrupt the consensus splice site are a relatively common cause of aberrant splicing (PMID: 17576681, 9536098). Algorithms developed to predict the effect of sequence changes on RNA splicing suggest that this variant is not likely to affect RNA splicing. In summary, the available evidence is currently insufficient to determine the role of this variant in disease. Therefore, it has been classified as a Variant of Uncertain Significance.

Literature cited by the submitters: PubMed 17576681; PubMed 9536098.